The following is an entry in ClinVar:

NM_004655.4(AXIN2):c.1978C>G (p.His660Asp)

Gene: AXIN2 (axin 2; minus strand). Cytogenetic location: 17q24.1.
Variant type: single nucleotide variant.
Coding change: c.1978C>G on transcript NM_004655.4 (MANE Select); coding-DNA position 1978, C replaced by G.
Protein change: p.His660Asp; replaces histidine 660 with aspartic acid.
Molecular consequence: missense variant.
Genome position (GRCh38, 1-based): chr17:65,536,483, G>C on the plus strand (C>G on the coding strand, the complement: AXIN2 is on the minus strand). VCF-style: chr17-65536483-G-C. GRCh37 (hg19) VCF-style: chr17-63532601-G-C.
Other names: c.1783C>G, p.His595Asp (NM_001363813.1); short protein forms H595D, H660D.
Identifiers: ClinVar variation 888583 (VCV000888583.6), dbSNP rs1598097035, ClinGen allele CA400676222.
Genomic context (GRCh38, chr17:65,536,483, plus strand): 5'-TGAACAGGTGGGCACGGGGGGTGGTGCGGGGGTGCCCGCTGTTGCCCCCCCACAGATGGT[G>C]CCGGCTGGCTCGTTCGCCTGGAGACGAGCGGGCAGACTCCAAGGGGTAGGCCTTTTTTGT-3'
Protein context (NP_004646.3, residues 650-670): RSSPGERASR[His660Asp]HLWGGNSGHP

ClinVar aggregate classification (germline): Uncertain significance. Review status: criteria provided, multiple submitters, no conflicts (2 of 4 stars). 2 submissions from 2 submitters: Uncertain significance (2). Last evaluated 2024-04-03.

Conditions:
Oligodontia-cancer predisposition syndrome. Also called: TOOTH AGENESIS-COLORECTAL CANCER SYNDROME. Identifiers: Orphanet 300576, MedGen C1837750, MONDO:0012075, OMIM 608615. Disease mechanism: loss of function.

Allele frequency attached by ClinVar (database versions not stated): TOPMed below 0.00001; gnomAD 0.00001.

Submissions (2):

Labcorp Genetics (formerly Invitae), Labcorp
Classification: Uncertain significance for Oligodontia-cancer predisposition syndrome. Last evaluated: 2024-04-03. Review status: criteria provided, single submitter. Criteria: Invitae Variant Classification Sherloc (09022015). Collection method: clinical testing. Allele origin: germline.
Comment: This sequence change replaces histidine, which is basic and polar, with aspartic acid, which is acidic and polar, at codon 660 of the AXIN2 protein (p.His660Asp). This variant is not present in population databases (gnomAD no frequency). This variant has not been reported in the literature in individuals affected with AXIN2-related conditions. ClinVar contains an entry for this variant (Variation ID: 888583). Advanced modeling of protein sequence and biophysical properties (such as structural, functional, and spatial information, amino acid conservation, physicochemical variation, residue mobility, and thermodynamic stability) performed at Invitae indicates that this missense variant is not expected to disrupt AXIN2 protein function with a negative predictive value of 80%. In summary, the available evidence is currently insufficient to determine the role of this variant in disease. Therefore, it has been classified as a Variant of Uncertain Significance.

Illumina Laboratory Services, Illumina
Classification: Uncertain significance for Oligodontia-cancer predisposition syndrome. Last evaluated: 2018-01-22. Review status: criteria provided, single submitter. Criteria: ICSL Variant Classification Criteria 13 December 2019. Collection method: clinical testing. Allele origin: germline.